The following is an entry in ClinVar:

NM_003846.3(PEX11B):c.57-4C>T

Gene: PEX11B (peroxisomal biogenesis factor 11 beta; minus strand). Cytogenetic location: 1q21.1.
Variant type: single nucleotide variant.
Coding change: c.57-4C>T on transcript NM_003846.3 (MANE Select); 4 bases into the intron before coding-DNA position 57, C replaced by T.
Molecular consequence: intron variant.
Genome position (GRCh38, 1-based): chr1:145,917,820, G>A on the plus strand (C>T on the coding strand, the complement: PEX11B is on the minus strand). VCF-style: chr1-145917820-G-A. GRCh37 (hg19) VCF-style: chr1-145517269-C-T.
Other names: c.57-4C>T (NM_003846.2); c.15-4C>T (NM_001184795.1).
Identifiers: ClinVar variation 1669582 (VCV001669582.11), dbSNP rs374174304, ClinGen allele CA1055493.

ClinVar aggregate classification (germline): Likely benign. Review status: criteria provided, multiple submitters, no conflicts (2 of 4 stars). 4 submissions from 4 submitters: Likely benign (4). Last evaluated 2025-06-19.

Conditions:
PEX11B-related disorder. Also called: PEX11B-related condition.
Inborn genetic diseases. Identifiers: MedGen C0950123, MeSH D030342.

Allele frequency attached by ClinVar (database versions not stated): gnomAD 0.00004 and 0.00005; TOPMed 0.00005; ExAC 0.00006; gnomAD exomes 0.00006; ESP Exome Variant Server 0.00008; 1000 Genomes Project 30x 0.00016; 1000 Genomes Project 0.00020.

Submissions (4):

Labcorp Genetics (formerly Invitae), Labcorp
Classification: Likely benign. Last evaluated: 2025-06-19. Review status: criteria provided, single submitter. Criteria: Invitae Variant Classification Sherloc (09022015). Collection method: clinical testing. Allele origin: germline.

PreventionGenetics, part of Exact Sciences
Classification: Likely benign for PEX11B-related condition. Last evaluated: 2025-02-11. Review status: criteria provided, single submitter. Criteria: ACMG Guidelines, 2015. Collection method: clinical testing. Allele origin: germline.
Comment: This variant is classified as likely benign based on ACMG/AMP sequence variant interpretation guidelines (Richards et al. 2015 PMID: 25741868, with internal and published modifications).

Blueprint Genetics
Classification: Likely benign. Last evaluated: 2024-10-02. Review status: criteria provided, single submitter. Criteria: ACMG Guidelines, 2015. Collection method: clinical testing. Allele origin: germline.

Ambry Genetics
Classification: Likely benign for Inborn genetic diseases. Last evaluated: 2022-07-08. Review status: criteria provided, single submitter. Criteria: Ambry Variant Classification Scheme 2023. Collection method: clinical testing. Allele origin: germline.